The following is an entry in ClinVar:

NM_001079802.2(FKTN):c.1249G>A (p.Glu417Lys)

Gene: FKTN (fukutin; plus strand). Cytogenetic location: 9q31.2.
Variant type: single nucleotide variant.
Coding change: c.1249G>A on transcript NM_001079802.2 (MANE Select); coding-DNA position 1249, G replaced by A.
Protein change: p.Glu417Lys; replaces glutamic acid 417 with lysine.
Molecular consequence: missense variant. On other transcripts: 3 prime UTR variant (1), non-coding transcript variant (2).
Genome position (GRCh38, 1-based): chr9:105,635,127, G>A. VCF-style: chr9-105635127-G-A. GRCh37 (hg19) VCF-style: chr9-108397408-G-A.
Other names: c.1249G>A, p.Glu417Lys (NM_001198963.2, NM_001351496.2, NM_006731.2); c.1180G>A, p.Glu394Lys (NM_001351497.2); c.*41G>A (NM_001351498.2); c.853G>A, p.Glu285Lys (NM_001351499.2, NM_001351500.2, NM_001351501.2 and 1 more transcripts); short protein forms E417K, E285K, E394K.
Identifiers: ClinVar variation 264522 (VCV000264522.45), dbSNP rs765934383, ClinGen allele CA5170603.

ClinVar aggregate classification (germline): Uncertain significance. Review status: criteria provided, multiple submitters, no conflicts (2 of 4 stars). 8 submissions from 8 submitters: Uncertain significance (7). 1 of the submissions does not count toward it. Last evaluated 2026-06-09.

Conditions:
Muscular dystrophy-dystroglycanopathy (congenital with brain and eye anomalies), type A1 (MDDGA1). Also called: Muscular dystrophy-dystroglycanopathy (congenital with brain and eye anomalies), type A, 1; WALKER-WARBURG SYNDROME OR MUSCLE-EYE-BRAIN DISEASE, POMT1-RELATED; Hydrocephalus, agyria and retinal dysplasia; Hard +/- E syndrome; Warburg syndrome; Chemke syndrome. Identifiers: Orphanet 588, Orphanet 899, MedGen C4284790, MONDO:0009364, OMIM 236670.
Dilated cardiomyopathy 1X (CMD1X). Also called: CARDIOMYOPATHY, DILATED, WITH MILD OR NO PROXIMAL MUSCLE WEAKNESS; FKTN-Related Dilated Cardiomyopathy. Identifiers: Orphanet 154, MedGen C1969024, MONDO:0012704, OMIM 611615.
Muscular dystrophy-dystroglycanopathy (congenital without impaired intellectual development), type B, 4. Also called: Muscular dystrophy-dystroglycanopathy (congenital without intellectual disability), type B4; MUSCULAR DYSTROPHY, CONGENITAL, FKTN-RELATED. Identifiers: MedGen C2751052, MONDO:0013156, OMIM 613152.
Autosomal recessive limb-girdle muscular dystrophy type 2M. Also called: MUSCULAR DYSTROPHY-DYSTROGLYCANOPATHY (LIMB-GIRDLE), TYPE C, 4; MUSCULAR DYSTROPHY, LIMB-GIRDLE, TYPE 2M. Identifiers: Orphanet 206554, MedGen C1969040, MONDO:0012699, OMIM 611588.
Muscular dystrophy-dystroglycanopathy (congenital with brain and eye anomalies), type A, 4 (MDDGA4). Also called: WALKER-WARBURG SYNDROME OR MUSCLE-EYE-BRAIN DISEASE, FKTN-RELATED; Congenital muscular dystrophy-dystroglycanopathy with brain and eye anomalies, type A4; Muscular dystrophy, congenital progressive, with mental retardation; Muscular dystrophy, congenital, with central nervous system involvement; Cerebromuscular dystrophy, Fukuyama type; Fukuyama congenital muscular dystrophy. Identifiers: Orphanet 272, Orphanet 588, Orphanet 899, MedGen C0410174, MONDO:0009678, OMIM 253800.
Cardiovascular phenotype. Identifiers: MedGen CN230736.
Walker-Warburg congenital muscular dystrophy. Also called: Muscular dystrophy-dystroglycanopathy, type A; Walker-Warburg syndrome. Identifiers: Orphanet 899, MedGen C0265221, MONDO:0000171.

Allele frequency attached by ClinVar (database versions not stated): gnomAD 0.00003; gnomAD exomes 0.00004; ExAC 0.00002; TOPMed 0.00006.
gnomAD v4.1: 76 of 1,613,962 alleles (0.0047%); highest among the groups gnomAD compares: Middle Eastern, 0.016%; no homozygotes.

Submissions (8):

Women's Health and Genetics/Laboratory Corporation of America, LabCorp
Classification: Uncertain significance. Last evaluated: 2026-06-09. Review status: criteria provided, single submitter. Criteria: LabCorp Variant Classification Summary - May 2015. Collection method: clinical testing. Allele origin: germline.
Comment: Variant summary: FKTN c.1249G>A (p.Glu417Lys) results in a conservative amino acid change in the encoded protein sequence. Algorithms developed to predict the effect of missense changes on protein structure and function all suggest that this variant is likely to be tolerated. The variant allele was found at a frequency of 3.6e-05 in 251390 control chromosomes. The available data on variant occurrences in the general population are insufficient to allow any conclusion about variant significance. To our knowledge, no occurrence of c.1249G>A in individuals affected with FKTN-related conditions and no experimental evidence demonstrating its impact on protein function have been reported. ClinVar contains an entry for this variant (Variation ID: 264522). Based on the evidence outlined above, the variant was classified as uncertain significance.

Labcorp Genetics (formerly Invitae), Labcorp
Classification: Uncertain significance for Walker-Warburg congenital muscular dystrophy. Last evaluated: 2025-10-23. Review status: criteria provided, single submitter. Criteria: Invitae Variant Classification Sherloc (09022015). Collection method: clinical testing. Allele origin: germline.
Comment: This sequence change replaces glutamic acid, which is acidic and polar, with lysine, which is basic and polar, at codon 417 of the FKTN protein (p.Glu417Lys). This variant is present in population databases (rs765934383, gnomAD 0.007%). This variant has not been reported in the literature in individuals affected with FKTN-related conditions. ClinVar contains an entry for this variant (Variation ID: 264522). Invitae Evidence Modeling of protein sequence and biophysical properties (such as structural, functional, and spatial information, amino acid conservation, physicochemical variation, residue mobility, and thermodynamic stability) indicates that this missense variant is not expected to disrupt FKTN protein function with a negative predictive value of 95%. In summary, the available evidence is currently insufficient to determine the role of this variant in disease. Therefore, it has been classified as a Variant of Uncertain Significance.

CeGaT Center for Human Genetics Tuebingen
Classification: Uncertain significance. Last evaluated: 2024-07-01. Review status: criteria provided, single submitter. Criteria: CeGaT Center For Human Genetics Tuebingen Variant Classification Criteria Version 2. Collection method: clinical testing. Allele origin: germline. Affected: yes. Observed: 1 variant allele.
Comment: FKTN: PM2, BP4

Ambry Genetics
Classification: Uncertain significance for Cardiovascular phenotype. Last evaluated: 2024-06-09. Review status: criteria provided, single submitter. Criteria: Ambry Variant Classification Scheme 2023. Collection method: clinical testing. Allele origin: germline.
Comment: The p.E417K variant (also known as c.1249G>A), located in coding exon 9 of the FKTN gene, results from a G to A substitution at nucleotide position 1249. The glutamic acid at codon 417 is replaced by lysine, an amino acid with some similar properties.This amino acid position is poorly conserved in available vertebrate species. In addition, the in silico prediction for this alteration is inconclusive. Since supporting evidence is limited at this time, the clinical significance of this variant remains unclear.

Fulgent Genetics
Classification: Uncertain significance for Muscular dystrophy-dystroglycanopathy (congenital with brain and eye anomalies), type A1; Muscular dystrophy-dystroglycanopathy (congenital with brain and eye anomalies), type A, 4; Autosomal recessive limb-girdle muscular dystrophy type 2M; Dilated cardiomyopathy 1X; Muscular dystrophy-dystroglycanopathy (congenital without impaired intellectual development), type B, 4. Last evaluated: 2021-08-19. Review status: criteria provided, single submitter. Criteria: ACMG Guidelines, 2015. Collection method: clinical testing. Allele origin: unknown.

ARUP Laboratories, Molecular Genetics and Genomics, ARUP Laboratories
Classification: Uncertain significance. Last evaluated: 2018-10-05. Review status: criteria provided, single submitter. Criteria: ARUP Molecular Germline Variant Investigation Process. Collection method: clinical testing. Allele origin: germline.
Comment: The p.Glu417Lys variant (rs765934383) has not been reported in the medical literature, gene specific variation databases, nor has it been previously identified by our laboratory. This variant is listed in the Genome Aggregation Database (gnomAD) with an overall population frequency of 0. 004 percent (identified on 9 out of 246,154 chromosomes) and has been reported to the ClinVar database (Variation ID: 264522). The glutamic acid at position 417 is weakly conserved and computational analyses of the p.Glu417Lys variant on protein structure and function indicate a neutral effect (SIFT: tolerated, PolyPhen-2: benign). Given lack of clinical or functional evidence however, the p.Glu417Lys variant could not be classified with certainty.

Eurofins Ntd Llc (ga)
Classification: Uncertain significance. Last evaluated: 2017-06-27. Review status: criteria provided, single submitter. Criteria: EGL Classification Definitions 2015. Collection method: clinical testing. Allele origin: germline. Observed: 1 variant allele, 1 heterozygote.

Natera, Inc.
Classification: Uncertain significance for Walker-Warburg congenital muscular dystrophy. Last evaluated: 2020-04-13. Review status: no assertion criteria provided. Collection method: clinical testing. Allele origin: germline. Not counted in ClinVar's aggregate classification.